The following is an entry in ClinVar:

ClinVar aggregate classification (germline): Conflicting classifications of pathogenicity. Review status: criteria provided, conflicting classifications (1 of 4 stars). 8 submissions from 8 submitters: Uncertain significance (3); Benign (2); Likely benign (3). Last evaluated 2026-06-15.

Conditions:
Inborn genetic diseases. Identifiers: MedGen C0950123, MeSH D030342.
Mowat-Wilson syndrome (MOWS). Also called: Classic Mowat-Wilson Syndrome. Identifiers: Orphanet 2152, MedGen C1856113, MONDO:0009341, OMIM 235730.

Allele frequency attached by ClinVar (database versions not stated): gnomAD 0.00011 and 0.00012; gnomAD exomes 0.00011 and 0.00015; ExAC 0.00012; TOPMed 0.00019; ESP Exome Variant Server 0.00038.
gnomAD v4.1: 229 of 1,613,946 alleles (0.014%); highest among the groups gnomAD compares: African/African-American, 0.036%; no homozygotes.

Submissions (8):

Ambry Genetics
Classification: Likely benign for Inborn genetic diseases. Last evaluated: 2026-06-15. Review status: criteria provided, single submitter. Criteria: Ambry Variant Classification Scheme 2023. Collection method: clinical testing. Allele origin: germline.

Labcorp Genetics (formerly Invitae), Labcorp
Classification: Benign for Mowat-Wilson syndrome. Last evaluated: 2025-11-03. Review status: criteria provided, single submitter. Criteria: Invitae Variant Classification Sherloc (09022015). Collection method: clinical testing. Allele origin: germline.

CeGaT Center for Human Genetics Tuebingen
Classification: Likely benign. Last evaluated: 2023-07-01. Review status: criteria provided, single submitter. Criteria: CeGaT Center For Human Genetics Tuebingen Variant Classification Criteria Version 2. Collection method: clinical testing. Allele origin: germline. Affected: yes. Observed: 1 variant allele.
Comment: ZEB2: BS2

Genome-Nilou Lab
Classification: Likely benign for Mowat-Wilson syndrome. Last evaluated: 2021-11-07. Review status: criteria provided, single submitter. Criteria: ACMG Guidelines, 2015. Collection method: clinical testing. Allele origin: germline. Affected: no.

GeneDx
Classification: Benign. Last evaluated: 2020-10-19. Review status: criteria provided, single submitter. Criteria: GeneDx Variant Classification Process June 2021. Collection method: clinical testing. Allele origin: germline. Affected: yes.

Genetic Services Laboratory, University of Chicago
Classification: Uncertain significance. Last evaluated: 2017-09-13. Review status: criteria provided, single submitter. Criteria: ACMG Guidelines, 2015. Collection method: clinical testing. Allele origin: germline. Affected: no.

Fulgent Genetics
Classification: Uncertain significance for Mowat-Wilson syndrome. Last evaluated: 2017-05-23. Review status: criteria provided, single submitter. Criteria: ACMG Guidelines, 2015. Collection method: clinical testing. Allele origin: unknown.

Eurofins Ntd Llc (ga)
Classification: Uncertain significance. Last evaluated: 2014-12-19. Review status: criteria provided, single submitter. Criteria: EGL Classification Definitions 2015. Collection method: clinical testing. Allele origin: germline. Observed: 1 variant allele, 1 heterozygote.

Literature cited by the submitters: PubMed 28518168 (cited by Ambry Genetics); PubMed 32461654 (cited by Ambry Genetics).

NM_014795.4(ZEB2):c.2084G>A (p.Arg695Gln)

Gene: ZEB2 (zinc finger E-box binding homeobox 2; minus strand). Cytogenetic location: 2q22.3.
Variant type: single nucleotide variant.
Coding change: c.2084G>A on transcript NM_014795.4 (MANE Select); coding-DNA position 2084, G replaced by A.
Protein change: p.Arg695Gln; replaces arginine 695 with glutamine.
Molecular consequence: missense variant.
Genome position (GRCh38, 1-based): chr2:144,399,103, C>T on the plus strand (G>A on the coding strand, the complement: ZEB2 is on the minus strand). VCF-style: chr2-144399103-C-T. GRCh37 (hg19) VCF-style: chr2-145156670-C-T.
Other names: p.R695Q:CGA>CAA; c.2012G>A, p.Arg671Gln (NM_001171653.2); short protein forms R695Q, R671Q.
Identifiers: ClinVar variation 181737 (VCV000181737.51), dbSNP rs147693839, ClinGen allele CA247717.
Genomic context (GRCh38, chr2:144,399,103, plus strand): 5'-AACGGCTTGGAGCTTCTTTCCAGGGATGGGGACCTGGAATTTGAGTACTGGTAGACTTTT[C>T]GTTGTTCAAACCATTCCTTCACAAATTCCTGAGGAAGGCCCACAGCAATGGAAATTTTCA-3'
Protein context (NP_055610.1, residues 685-705): QEFVKEWFEQ[Arg695Gln]KVYQYSNSRS